The following is an entry in ClinVar:

ClinVar aggregate classification (germline): Uncertain significance (1 of 4 stars; one submission).

Allele frequency attached by ClinVar (database versions not stated): gnomAD exomes below 0.00001.
gnomAD v4.1: 1 of 1,612,448 alleles (0.000062%); highest among the groups gnomAD compares: Non-Finnish European, 0.000085%; no homozygotes.

Submission:

Ambry Genetics
Classification: Uncertain significance. Last evaluated: 2023-09-21. Review status: criteria provided, single submitter. Criteria: Ambry Variant Classification Scheme 2023. Collection method: clinical testing. Allele origin: germline.
Comment: The p.C1063R variant (also known as c.3187T>C), located in coding exon 16 of the POLQ gene, results from a T to C substitution at nucleotide position 3187. The cysteine at codon 1063 is replaced by arginine, an amino acid with highly dissimilar properties. This amino acid position is conserved. In addition, this alteration is predicted to be tolerated by in silico analysis. Since supporting evidence is limited at this time, the clinical significance of this alteration remains unclear.

NM_199420.4(POLQ):c.3187T>C (p.Cys1063Arg)

Gene: POLQ (DNA polymerase theta; minus strand). Cytogenetic location: 3q13.33.
Variant type: single nucleotide variant.
Coding change: c.3187T>C on transcript NM_199420.4 (MANE Select); coding-DNA position 3187, T replaced by C.
Protein change: p.Cys1063Arg; replaces cysteine 1063 with arginine.
Molecular consequence: missense variant.
Genome position (GRCh38, 1-based): chr3:121,489,744, A>G on the plus strand (T>C on the coding strand, the complement: POLQ is on the minus strand). VCF-style: chr3-121489744-A-G. GRCh37 (hg19) VCF-style: chr3-121208591-A-G.
Other names: short protein forms C1063R.
Identifiers: ClinVar variation 3229918 (VCV003229918.1), dbSNP rs2546787707, ClinGen allele CA354101387.